The following is an entry in ClinVar:

ClinVar aggregate classification (germline): Uncertain significance (1 of 4 stars; one submission).

Conditions:
Hereditary cancer-predisposing syndrome. Also called: Tumor predisposition; Hereditary neoplastic syndrome; Hereditary Cancer Syndrome; Neoplastic Syndromes, Hereditary. Identifiers: Orphanet 140162, MedGen C0027672, MeSH D009386, MONDO:0015356.

gnomAD v4.1: 1 of 1,609,664 alleles (0.000062%); highest among the groups gnomAD compares: South Asian, 0.0011%; no homozygotes.

Submission:

Ambry Genetics
Classification: Uncertain significance for Hereditary cancer-predisposing syndrome. Last evaluated: 2025-05-21. Review status: criteria provided, single submitter. Criteria: Ambry Variant Classification Scheme 2023. Collection method: clinical testing. Allele origin: germline.
Comment: The p.K710N variant (also known as c.2130G>T), located in coding exon 11 of the RET gene, results from a G to T substitution at nucleotide position 2130. The lysine at codon 710 is replaced by asparagine, an amino acid with similar properties. This amino acid position is highly conserved in available vertebrate species. In addition, the in silico prediction for this alteration is inconclusive. Based on the available evidence, the clinical significance of this variant remains unclear.

NM_020975.6(RET):c.2130G>T (p.Lys710Asn)

Gene: RET (ret proto-oncogene; plus strand). Cytogenetic location: 10q11.21.
Variant type: single nucleotide variant.
Coding change: c.2130G>T on transcript NM_020975.6 (MANE Select); coding-DNA position 2130, G replaced by T.
Protein change: p.Lys710Asn; replaces lysine 710 with asparagine.
Molecular consequence: missense variant.
Genome position (GRCh38, 1-based): chr10:43,114,730, G>T. VCF-style: chr10-43114730-G-T. GRCh37 (hg19) VCF-style: chr10-43610178-G-T.
Other names: c.1404G>T, p.Lys468Asn (NM_001406775.1, NM_001406776.1, NM_001406777.1 and 1 more transcripts); c.1233G>T, p.Lys411Asn (NM_001406779.1, NM_001406780.1, NM_001406781.1 and 1 more transcripts); c.1104G>T, p.Lys368Asn (NM_001406783.1, NM_001406786.1); c.1140G>T, p.Lys380Asn (NM_001406784.1); c.1842G>T, p.Lys614Asn (NM_001406766.1, NM_001406767.1, NM_001406770.1); c.1866G>T, p.Lys622Asn (NM_001406768.1); c.1734G>T, p.Lys578Asn (NM_001406769.1, NM_001406772.1); c.1692G>T, p.Lys564Asn (NM_001406771.1, NM_001406773.1); and 10 more; short protein forms K315N, K371N, K468N, K535N, K564N, K614N, K227N, K366N.
Identifiers: ClinVar variation 3944710 (VCV003944710.1).